The following is an entry in ClinVar:

ClinVar aggregate classification (germline): Conflicting classifications of pathogenicity. Review status: criteria provided, conflicting classifications (1 of 4 stars). 8 submissions from 7 submitters: Uncertain significance (6); Benign (1); Likely benign (1). Last evaluated 2025-10-26.

Conditions:
Cardiovascular phenotype. Identifiers: MedGen CN230736.
RASopathy. Also called: Noonan spectrum disorder; rasopathies. Identifiers: Orphanet 536391, MedGen C5555857, MONDO:0021060.
Noonan syndrome 4 (NS4). Also called: NOONAN SYNDROME WITH PIGMENTED VILLONODULAR SYNOVITIS; SOS1-Related Noonan Syndrome. Identifiers: Orphanet 648, MedGen C1853120, MONDO:0012547, OMIM 610733.
Fibromatosis, gingival, 1 (GINGF1). Identifiers: Orphanet 2024, MedGen C4551558, MONDO:0007609, OMIM 135300.

Allele frequency attached by ClinVar (database versions not stated): gnomAD 0.00001; gnomAD exomes 0.00001 and 0.00002; TOPMed 0.00001; ExAC 0.00002; ESP Exome Variant Server 0.00008.

Submissions (8):

Labcorp Genetics (formerly Invitae), Labcorp
Classification: Benign for RASopathy. Last evaluated: 2025-10-26. Review status: criteria provided, single submitter. Criteria: Invitae Variant Classification Sherloc (09022015). Collection method: clinical testing. Allele origin: germline.

CeGaT Center for Human Genetics Tuebingen
Classification: Uncertain significance. Last evaluated: 2024-11-01. Review status: criteria provided, single submitter. Criteria: CeGaT Center For Human Genetics Tuebingen Variant Classification Criteria Version 2. Collection method: clinical testing. Allele origin: germline. Affected: yes. Observed: 1 variant allele.

Blueprint Genetics
Classification: Likely benign. Last evaluated: 2024-08-29. Review status: criteria provided, single submitter. Criteria: ACMG Guidelines, 2015. Collection method: clinical testing. Allele origin: germline.

Ambry Genetics
Classification: Uncertain significance for Cardiovascular phenotype. Last evaluated: 2024-03-18. Review status: criteria provided, single submitter. Criteria: Ambry Variant Classification Scheme 2023. Collection method: clinical testing. Allele origin: germline.

GeneDx
Classification: Uncertain significance. Last evaluated: 2020-07-07. Review status: criteria provided, single submitter. Criteria: GeneDx Variant Classification Process June 2021. Collection method: clinical testing. Allele origin: germline. Affected: yes.
Comment: Not observed at a significant frequency in large population cohorts (Lek et al., 2016); Missense variants in this gene are often considered pathogenic (Stenson et al., 2014); In silico analysis supports that this missense variant has a deleterious effect on protein structure/function; Has not been previously published as pathogenic or benign to our knowledge

Phosphorus, Inc.
Classification: Uncertain significance for Noonan syndrome 4. Last evaluated: 2017-08-01. Review status: criteria provided, single submitter. Criteria: ACMG Guidelines, 2015. Collection method: clinical testing. Allele origin: germline. Observed: 1 variant allele.

Genome-Nilou Lab
Classification: Uncertain significance for Noonan syndrome 4. Review status: criteria provided, single submitter. Criteria: ACMG Guidelines, 2015. Collection method: clinical testing. Allele origin: germline.

Genome-Nilou Lab
Classification: Uncertain significance for Fibromatosis, gingival, 1. Review status: criteria provided, single submitter. Criteria: ACMG Guidelines, 2015. Collection method: clinical testing. Allele origin: germline.

NM_005633.4(SOS1):c.1574T>C (p.Ile525Thr)

Gene: SOS1 (SOS Ras/Rac guanine nucleotide exchange factor 1; minus strand). Cytogenetic location: 2p22.1.
Variant type: single nucleotide variant.
Coding change: c.1574T>C on transcript NM_005633.4 (MANE Select); coding-DNA position 1574, T replaced by C.
Protein change: p.Ile525Thr; replaces isoleucine 525 with threonine.
Molecular consequence: missense variant.
Genome position (GRCh38, 1-based): chr2:39,022,854, A>G on the plus strand (T>C on the coding strand, the complement: SOS1 is on the minus strand). VCF-style: chr2-39022854-A-G. GRCh37 (hg19) VCF-style: chr2-39249995-A-G.
Other names: c.1553T>C, p.Ile518Thr (NM_001382394.1); c.1574T>C, p.Ile525Thr (NM_001382395.1); short protein forms I525T, I518T.
Identifiers: ClinVar variation 279934 (VCV000279934.29), dbSNP rs146722878, ClinGen allele CA1624579.
Genomic context (GRCh38, chr2:39,022,854, plus strand): 5'-TGTAAAGATATCAATGCTGCCATCCAATTGTTTTTCTCTTCAGCTGACTTGGCAGAAAAT[A>G]TAACACTATTTTCATCTTTTAAAATTATTTCAAAAGCATGCTTGTATTCATTGGTGTCAT-3'
Protein context (NP_005624.2, residues 515-535): EIILKDENSV[Ile525Thr]FSAKSAEEKN